The following is an entry in ClinVar:

NM_022436.3(ABCG5):c.350G>A (p.Gly117Asp)

Gene: ABCG5 (ATP binding cassette subfamily G member 5; minus strand). Cytogenetic location: 2p21.
Variant type: single nucleotide variant.
Coding change: c.350G>A on transcript NM_022436.3 (MANE Select); coding-DNA position 350, G replaced by A.
Protein change: p.Gly117Asp; replaces glycine 117 with aspartic acid.
Molecular consequence: missense variant.
Genome position (GRCh38, 1-based): chr2:43,831,999, C>T on the plus strand (G>A on the coding strand, the complement: ABCG5 is on the minus strand). VCF-style: chr2-43831999-C-T. GRCh37 (hg19) VCF-style: chr2-44059138-C-T.
Other names: short protein forms G117D.
Identifiers: ClinVar variation 5027023 (VCV005027023.1).

ClinVar aggregate classification (germline): Uncertain significance (1 of 4 stars; one submission).

Conditions:
Cardiovascular phenotype. Identifiers: MedGen CN230736.

Submission:

Ambry Genetics
Classification: Uncertain significance for Cardiovascular phenotype. Last evaluated: 2026-09-04. Review status: criteria provided, single submitter. Criteria: Ambry Variant Classification Scheme 2023. Collection method: clinical testing. Allele origin: germline.
Comment: The p.G117D variant (also known as c.350G>A), located in coding exon 3 of the ABCG5 gene, results from a G to A substitution at nucleotide position 350. The glycine at codon 117 is replaced by aspartic acid, an amino acid with similar properties. This amino acid position is conserved. In addition, this alteration is predicted to be deleterious by in silico analysis. Based on the available evidence, the clinical significance of this variant remains unclear.